The following is an entry in ClinVar:

NM_002439.5(MSH3):c.2605G>A (p.Val869Met)

Gene: MSH3 (mutS homolog 3; plus strand). Cytogenetic location: 5q14.1.
Variant type: single nucleotide variant.
Coding change: c.2605G>A on transcript NM_002439.5 (MANE Select); coding-DNA position 2605, G replaced by A.
Protein change: p.Val869Met; replaces valine 869 with methionine.
Molecular consequence: missense variant.
Genome position (GRCh38, 1-based): chr5:80,792,794, G>A. VCF-style: chr5-80792794-G-A. GRCh37 (hg19) VCF-style: chr5-80088613-G-A.
Other names: short protein forms V869M.
Identifiers: ClinVar variation 2676747 (VCV002676747.4), dbSNP rs2546786792, ClinGen allele CA360272958.

ClinVar aggregate classification (germline): Uncertain significance. Review status: criteria provided, multiple submitters, no conflicts (2 of 4 stars). 2 submissions from 2 submitters: Uncertain significance (2). Last evaluated 2023-09-18.

Conditions:
Endometrial carcinoma. Also called: Endometrial carcinoma, somatic. Identifiers: MedGen C0476089, MONDO:0002447, OMIM 608089, HP:0012114.

Allele frequency attached by ClinVar (database versions not stated): gnomAD exomes below 0.00001.
gnomAD v4.1: 1 of 1,613,484 alleles (0.000062%); highest among the groups gnomAD compares: East Asian, 0.0022%; no homozygotes.

Submissions (2):

Labcorp Genetics (formerly Invitae), Labcorp
Classification: Uncertain significance. Last evaluated: 2023-09-18. Review status: criteria provided, single submitter. Criteria: Invitae Variant Classification Sherloc (09022015). Collection method: clinical testing. Allele origin: germline.
Comment: In summary, the available evidence is currently insufficient to determine the role of this variant in disease. Therefore, it has been classified as a Variant of Uncertain Significance. Algorithms developed to predict the effect of missense changes on protein structure and function output the following: SIFT: "Not Available"; PolyPhen-2: "Benign"; Align-GVGD: "Not Available". The methionine amino acid residue is found in multiple mammalian species, which suggests that this missense change does not adversely affect protein function. This variant has not been reported in the literature in individuals affected with MSH3-related conditions. This variant is not present in population databases (gnomAD no frequency). This sequence change replaces valine, which is neutral and non-polar, with methionine, which is neutral and non-polar, at codon 869 of the MSH3 protein (p.Val869Met).

Baylor Genetics
Classification: Uncertain significance for Endometrial carcinoma. Last evaluated: 2023-09-03. Review status: criteria provided, single submitter. Criteria: ACMG Guidelines, 2015. Collection method: clinical testing. Allele origin: unknown.